The following is an entry in ClinVar:

ClinVar aggregate classification (germline): Uncertain significance (1 of 4 stars; one submission).

Conditions:
Borjeson-Forssman-Lehmann syndrome (BFLS). Also called: MENTAL RETARDATION, X-LINKED, SYNDROMIC, BORJESON-FORSSMAN-LEHMANN TYPE; MENTAL RETARDATION, EPILEPSY, AND ENDOCRINE DISORDERS; BORJESON SYNDROME. Identifiers: Orphanet 127, MedGen C0265339, MONDO:0010537, OMIM 301900.

Submission:

Victorian Clinical Genetics Services, Murdoch Childrens Research Institute
Classification: Uncertain significance for Borjeson-Forssman-Lehmann syndrome. Last evaluated: 2024-10-09. Review status: criteria provided, single submitter. Criteria: ACMG Guidelines, 2015. Collection method: clinical testing. Allele origin: germline. Inheritance: X-linked recessive inheritance. Affected: no.
Comment: Based on the classification scheme VCGS_Germline_v1.3.4, this variant is classified as VUS-3B. Following criteria are met: 0102 - Loss of function is a known mechanism of disease in this gene and is associated with Borjeson-Forssman-Lehmann syndrome (BFLS; MIM#301900) in males; females heterozygous for pathogenic variants show an overlapping but distinct phenotype (PMID: 35662002). (I) 0109 - This gene is associated with X-linked recessive disease in males. Female with heterozygous variants may be affected; variant type and skewed X-inactivation may contribute to gender-specific phenotypes (PMID: 35662002). (I) 0205 - Variant is predicted to result in a truncated protein (premature termination codon is NOT located at least 54 nucleotides upstream of the final exon-exon junction) with less than 1/3 of the protein sequence affected. (SP) 0251 - This variant is heterozygous. (I) 0301 - Variant is absent from gnomAD (both v2 and v3). (SP) 0604 - Variant is not located in an established domain, motif, hotspot or informative constraint region. (I) 0705 - No comparable truncation variants have previous evidence for pathogenicity. (I) 0807 - This variant has no previous evidence of pathogenicity. (I) 0905 - No published segregation evidence has been identified for this variant. (I) 1007 - No published functional evidence has been identified for this variant. (I) Legend: (SP) - Supporting pathogenic, (I) - Information, (SB) - Supporting benign

Literature cited by the submitters: PubMed 35662002.

NM_001015877.2(PHF6):c.1023_1026dup (p.Glu343fs)

Gene: PHF6 (PHD finger protein 6; plus strand). Cytogenetic location: Xq26.2.
Variant type: Duplication.
Coding change: c.1023_1026dup on transcript NM_001015877.2 (MANE Select); coding-DNA positions 1023 to 1026, 4 bases duplicated (ACGA; older notation c.1023_1026dupACGA).
Protein change: p.Glu343fs; shifts the reading frame from glutamic acid 343.
Molecular consequence: frameshift variant.
Genome position (GRCh38, 1-based): chrX:134,425,255-134,425,258, ACGA duplicated; duplicating any 4 consecutive bases within chrX:134,425,253-134,425,258 gives the same sequence; the c. name uses the placement nearest the transcript's 3' end. VCF-style (leftmost placement, unchanged base first): chrX-134425252-G-GGAAC. GRCh37 (hg19) VCF-style: chrX-133559282-G-GGAAC.
Other names: c.1023_1026dupACGA (NM_001015877.1); c.1023_1026dup, p.Glu343fs (NM_032458.3); short protein forms E343fs.
Identifiers: ClinVar variation 3377349 (VCV003377349.1).